The following is an entry in ClinVar:

NM_003886.3(AKAP4):c.1341A>G (p.Ser447=)

Gene: AKAP4 (A-kinase anchoring protein 4; minus strand). Cytogenetic location: Xp11.22.
Variant type: single nucleotide variant.
Coding change: c.1341A>G on transcript NM_003886.3 (MANE Select); coding-DNA position 1341, A replaced by G.
Protein change: p.Ser447=; no amino-acid change (serine 447 retained).
Molecular consequence: synonymous variant.
Genome position (GRCh38, 1-based): chrX:50,193,372, T>C on the plus strand (A>G on the coding strand, the complement: AKAP4 is on the minus strand). VCF-style: chrX-50193372-T-C. GRCh37 (hg19) VCF-style: chrX-49958023-T-C.
Other names: c.1314A>G, p.Ser438= (NM_139289.2).
Identifiers: ClinVar variation 2660539 (VCV002660539.24), dbSNP rs782817329, ClinGen allele CA10414212.

ClinVar aggregate classification (germline): Likely benign (1 of 4 stars; one submission).

Allele frequency attached by ClinVar (database versions not stated): ExAC 0.00001; gnomAD exomes 0.00001; TOPMed 0.00001; gnomAD 0.00002.
gnomAD v4.1: 14 of 1,209,802 alleles (0.0012%); highest among the groups gnomAD compares: Middle Eastern, 0.023%; no homozygotes.

Submission:

CeGaT Center for Human Genetics Tuebingen
Classification: Likely benign. Last evaluated: 2022-08-01. Review status: criteria provided, single submitter. Criteria: CeGaT Center For Human Genetics Tuebingen Variant Classification Criteria Version 2. Collection method: clinical testing. Allele origin: germline. Affected: yes. Observed: 1 variant allele.
Comment: AKAP4: BP4, BP7